The following is an entry in ClinVar:

ClinVar aggregate classification (germline): Uncertain significance (1 of 4 stars; one submission).

Allele frequency attached by ClinVar (database versions not stated): TOPMed 0.00002; gnomAD exomes 0.00001; gnomAD 0.00001.

Submission:

Labcorp Genetics (formerly Invitae), Labcorp
Classification: Uncertain significance. Last evaluated: 2026-01-26. Review status: criteria provided, single submitter. Criteria: Invitae Variant Classification Sherloc (09022015). Collection method: clinical testing. Allele origin: germline.
Comment: This sequence change replaces valine, which is neutral and non-polar, with methionine, which is neutral and non-polar, at codon 320 of the ADGRB2 protein (p.Val320Met). This variant is present in population databases (no rsID available, gnomAD 0.03%). This variant has not been reported in the literature in individuals affected with ADGRB2-related conditions. ClinVar contains an entry for this variant (Variation ID: 2975342). An algorithm developed to predict the effect of missense changes on protein structure and function (PolyPhen-2) suggests that this variant is likely to be disruptive. In summary, the available evidence is currently insufficient to determine the role of this variant in disease. Therefore, it has been classified as a Variant of Uncertain Significance.

NM_001364857.2(ADGRB2):c.958G>A (p.Val320Met)

Gene: ADGRB2 (adhesion G protein-coupled receptor B2; minus strand). Cytogenetic location: 1p35.2.
Variant type: single nucleotide variant.
Coding change: c.958G>A on transcript NM_001364857.2 (MANE Select); coding-DNA position 958, G replaced by A.
Protein change: p.Val320Met; replaces valine 320 with methionine.
Molecular consequence: missense variant.
Genome position (GRCh38, 1-based): chr1:31,744,322, C>T on the plus strand (G>A on the coding strand, the complement: ADGRB2 is on the minus strand). VCF-style: chr1-31744322-C-T. GRCh37 (hg19) VCF-style: chr1-32209923-C-T.
Other names: c.958G>A, p.Val320Met (NM_001294335.2, NM_001294336.2, NM_001703.2); short protein forms V320M.
Identifiers: ClinVar variation 2975342 (VCV002975342.3), dbSNP rs945163930, ClinGen allele CA20176119.